The following is an entry in ClinVar:

ClinVar aggregate classification (germline): Pathogenic (1 of 4 stars; one submission).

Conditions:
Asphyxiating thoracic dystrophy 3. Also called: SHORT-RIB THORACIC DYSPLASIA 3 WITH OR WITHOUT POLYDACTYLY; POLYDACTYLY WITH NEONATAL CHONDRODYSTROPHY, TYPE I; SHORT-RIB THORACIC DYSPLASIA 3/6 WITH POLYDACTYLY, DIGENIC; Short rib polydactyly syndrome 2B; Saldino-Noonan Syndrome. Identifiers: Orphanet 474, Orphanet 93269, Orphanet 93270, Orphanet 93271, MedGen C0036069, MONDO:0013127, OMIM 613091.

Submission:

Myriad Genetics, Inc.
Classification: Pathogenic for Asphyxiating thoracic dystrophy 3. Last evaluated: 2025-05-17. Review status: criteria provided, single submitter. Criteria: Myriad Autosomal Dominant, Autosomal Recessive and X-Linked Classification Criteria (2023). Collection method: clinical testing. Allele origin: unknown.
Comment: NM_001377.2(DYNC2H1):c.3296delA(K1099Sfs*65) is expected to be pathogenic in the context of DYNC2H1-related disorders. This variant is predicted to lead to an abnormal or absent protein product due to the creation of a premature termination codon in DYNC2H1, a gene where loss-of-function variants are known to be pathogenic. Please note: this variant was assessed in the context of healthy population screening.

NM_001377.3(DYNC2H1):c.3296del (p.Lys1099fs)

Gene: DYNC2H1 (dynein cytoplasmic 2 heavy chain 1; plus strand). Cytogenetic location: 11q22.3.
Variant type: Deletion.
Coding change: c.3296del on transcript NM_001377.3 (MANE Select); coding-DNA position 3296, one base deleted (A; older notation c.3296delA).
Protein change: p.Lys1099fs; shifts the reading frame from lysine 1099.
Molecular consequence: frameshift variant.
Genome position (GRCh38, 1-based): chr11:103,153,502, A deleted; the last of 6 consecutive A bases (chr11:103,153,497-103,153,502); deleting any one gives the same sequence. VCF-style (leftmost placement, unchanged base first): chr11-103153496-GA-G. GRCh37 (hg19) VCF-style: chr11-103024225-GA-G.
Other names: c.3296del, p.Lys1099fs (NM_001080463.2); short protein forms K1099fs.
Identifiers: ClinVar variation 5014463 (VCV005014463.1).
Genomic context (GRCh38, chr11:103,153,496, plus strand): 5'-ATAAAAGTGCAAAGTTAATAAAAGAGAAAAAAATTGAGTTTGATGATCTTGAAGTCACAA[GA>G]AAAAAGCTGGTGTATGTTTTTTCTTTAAAATTGATAGTGCTTATTTTGAAAAAACAATTT-3'